The following is an entry in ClinVar:

ClinVar aggregate classification (germline): Uncertain significance (1 of 4 stars; one submission).

Conditions:
PLXNA3-related disorder. Also called: PLXNA3-related condition.

Submission:

PreventionGenetics, part of Exact Sciences
Classification: Uncertain significance for PLXNA3-related condition. Last evaluated: 2025-09-16. Review status: criteria provided, single submitter. Criteria: ACMG Guidelines, 2015. Collection method: clinical testing. Allele origin: germline.
Comment: The PLXNA3 c.2213A>G variant is predicted to result in the amino acid substitution p.Asn738Ser. To our knowledge, this variant has not been reported in the literature or in a large population database (gnomAD), indicating this variant is rare. At this time, the clinical significance of this variant is uncertain due to the absence of conclusive functional and genetic evidence.

NM_017514.5(PLXNA3):c.2213A>G (p.Asn738Ser)

Gene: PLXNA3 (plexin A3; plus strand). Cytogenetic location: Xq28.
Variant type: single nucleotide variant.
Coding change: c.2213A>G on transcript NM_017514.5 (MANE Select); coding-DNA position 2213, A replaced by G.
Protein change: p.Asn738Ser; replaces asparagine 738 with serine.
Molecular consequence: missense variant.
Genome position (GRCh38, 1-based): chrX:154,465,187, A>G. VCF-style: chrX-154465187-A-G. GRCh37 (hg19) VCF-style: chrX-153693530-A-G.
Other names: short protein forms N738S.
Identifiers: ClinVar variation 4978720 (VCV004978720.1).